The following is an entry in ClinVar:

ClinVar aggregate classification (germline): Likely pathogenic. Review status: criteria provided, multiple submitters, no conflicts (2 of 4 stars). 2 submissions from 2 submitters: Likely pathogenic (2). Last evaluated 2016-08-24.

Submissions (2):

Eurofins Ntd Llc (ga)
Classification: Likely pathogenic. Last evaluated: 2016-08-24. Review status: criteria provided, single submitter. Criteria: EGL Classification Definitions 2015. Collection method: clinical testing. Allele origin: germline. Observed: 1 variant allele, 1 heterozygote.

GeneDx
Classification: Likely pathogenic. Last evaluated: 2016-05-12. Review status: criteria provided, single submitter. Criteria: GeneDx Variant Classification (06012015). Collection method: clinical testing. Allele origin: germline. Affected: yes.
Comment: The Q4283X variant in the SYNE1 gene has not been reported previously as a pathogenic variant nor as a benign variant, to our knowledge. This variant is predicted to cause loss of normal protein function either through protein truncation or nonsense-mediated mRNA decay. The Q4283X variant was not observed in approximately 6,500 individuals of European and African American ancestry in the NHLBI Exome Sequencing Project, indicating it is not a common benign variant in these populations. We interpret Q4283X as a likely pathogenic variant.

NM_182961.4(SYNE1):c.13060C>T (p.Gln4354Ter)

Gene: SYNE1 (spectrin repeat containing nuclear envelope protein 1; minus strand). Cytogenetic location: 6q25.2.
Variant type: single nucleotide variant.
Coding change: c.13060C>T on transcript NM_182961.4 (MANE Select); coding-DNA position 13060, C replaced by T.
Protein change: p.Gln4354Ter; replaces glutamine 4354 with a stop codon.
Molecular consequence: nonsense.
Genome position (GRCh38, 1-based): chr6:152,331,625, G>A on the plus strand (C>T on the coding strand, the complement: SYNE1 is on the minus strand). VCF-style: chr6-152331625-G-A. GRCh37 (hg19) VCF-style: chr6-152652760-G-A.
Other names: c.12847C>T, p.Gln4283Ter (NM_033071.5); short protein forms Q4283*, Q4354*.
Identifiers: ClinVar variation 290920 (VCV000290920.6), dbSNP rs886044588, ClinGen allele CA10606944.